The following is an entry in ClinVar:

NM_000551.4(VHL):c.463+5T>G

Genes: VHL (von Hippel-Lindau tumor suppressor; plus strand), LOC107303340 (3p25 von Hippel-Lindau tumor suppressor, E3 ubiquitin protein ligase Alu-mediated recombination region; plus strand). Cytogenetic location: 3p25.3.
Variant type: single nucleotide variant.
Coding change: c.463+5T>G on transcript NM_000551.4 (MANE Select); 5 bases into the intron after coding-DNA position 463, T replaced by G.
Molecular consequence: intron variant.
Genome position (GRCh38, 1-based): chr3:10,146,641, T>G. VCF-style: chr3-10146641-T-G. GRCh37 (hg19) VCF-style: chr3-10188325-T-G.
Other names: c.*18-3146T>G (NM_001354723.2); c.341-3146T>G (NM_198156.3).
Identifiers: ClinVar variation 947386 (VCV000947386.15), dbSNP rs1003364563, ClinGen allele CA70049644.

ClinVar aggregate classification (germline): Conflicting classifications of pathogenicity. Review status: criteria provided, conflicting classifications (1 of 4 stars). 4 submissions from 4 submitters: Uncertain significance (2); Likely benign (2). Last evaluated 2025-12-13.

Conditions:
Von Hippel-Lindau syndrome (VHLS). Also called: von Hippel–Lindau syndrome; VHL syndrome; Von Hippel-Lindau. Identifiers: Orphanet 892, MedGen C0019562, MONDO:0008667, OMIM 193300. Disease mechanism: loss of function.
Chuvash polycythemia. Also called: POLYCYTHEMIA, VHL-DEPENDENT. Identifiers: Orphanet 238557, MedGen C1837915, MONDO:0009892, OMIM 263400.
Hereditary cancer-predisposing syndrome. Also called: Neoplastic Syndromes, Hereditary; Hereditary neoplastic syndrome; Hereditary Cancer Syndrome; Tumor predisposition. Identifiers: Orphanet 140162, MedGen C0027672, MeSH D009386, MONDO:0015356.

Allele frequency attached by ClinVar (database versions not stated): TOPMed below 0.00001.

Submissions (4):

Labcorp Genetics (formerly Invitae), Labcorp
Classification: Likely benign for Von Hippel-Lindau syndrome; Chuvash polycythemia. Last evaluated: 2025-12-13. Review status: criteria provided, single submitter. Criteria: Invitae Variant Classification Sherloc (09022015). Collection method: clinical testing. Allele origin: germline.

Myriad Genetics, Inc.
Classification: Likely benign for Von Hippel-Lindau syndrome. Last evaluated: 2025-06-12. Review status: criteria provided, single submitter. Criteria: Myriad Autosomal Dominant, Autosomal Recessive and X-Linked Classification Criteria (2023). Collection method: clinical testing. Allele origin: unknown.
Comment: This variant is considered likely benign. This variant is intronic and is not expected to impact mRNA splicing.

All of Us Research Program, National Institutes of Health
Classification: Uncertain significance for Von Hippel-Lindau syndrome. Last evaluated: 2024-05-14. Review status: criteria provided, single submitter. Criteria: ACMG Guidelines, 2015. Collection method: clinical testing. Allele origin: germline. Inheritance: Autosomal dominant inheritance. Observed: 1 variant allele, 1 heterozygote.
Comment: This variant causes a T to G nucleotide substitution at the +5 position of intron 2 of the VHL gene. To our knowledge, functional studies have not been reported for this variant. This variant has not been reported in individuals affected with VHL-related disorders in the literature. This variant has not been identified in the general population by the Genome Aggregation Database (gnomAD). The available evidence is insufficient to determine the role of this variant in disease conclusively. Therefore, this variant is classified as a Variant of Uncertain Significance.

This study involves interpretation of variants in research participants for the purpose of population health screening. Participant phenotype was not available at the time of variant classification. Additional details can be found in publication PMID: 35346344, PMCID: PMC8962531

Ambry Genetics
Classification: Uncertain significance for Hereditary cancer-predisposing syndrome. Last evaluated: 2024-04-11. Review status: criteria provided, single submitter. Criteria: Ambry Variant Classification Scheme 2023. Collection method: clinical testing. Allele origin: germline.
Comment: The c.463+5T>G intronic variant results from a T to G substitution 5 nucleotides after coding exon 2 in the VHL gene. This nucleotide position is well conserved in available vertebrate species. In silico splice site analysis predicts that this alteration will not have any significant effect on splicing. Based on the available evidence, the clinical significance of this variant remains unclear.